The following is an entry in ClinVar:

NM_001349338.3(FOXP1):c.643C>G (p.Pro215Ala)

Gene: FOXP1 (forkhead box P1; minus strand). Cytogenetic location: 3p13.
Variant type: single nucleotide variant.
Coding change: c.643C>G on transcript NM_001349338.3 (MANE Select); coding-DNA position 643, C replaced by G.
Protein change: p.Pro215Ala; replaces proline 215 with alanine.
Molecular consequence: missense variant. On other transcripts: non-coding transcript variant (2).
Genome position (GRCh38, 1-based): chr3:71,046,963, G>C on the plus strand (C>G on the coding strand, the complement: FOXP1 is on the minus strand). VCF-style: chr3-71046963-G-C. GRCh37 (hg19) VCF-style: chr3-71096114-G-C.
Other names: c.643C>G, p.Pro215Ala (NM_001244808.3, NM_001244810.2, NM_001244814.3 and 3 more transcripts); c.415C>G, p.Pro139Ala (NM_001244812.3); c.343C>G, p.Pro115Ala (NM_001244813.3, NM_001244815.2, NM_001349342.3 and 1 more transcripts); c.340C>G, p.Pro114Ala (NM_001349337.2, NM_001349343.3, NM_001349344.3); c.640C>G, p.Pro214Ala (NM_001349341.3); short protein forms P215A, P214A, P114A, P139A, P115A.
Identifiers: ClinVar variation 129109 (VCV000129109.53), dbSNP rs146606219, ClinGen allele CA152903.

ClinVar aggregate classification (germline): Benign/Likely benign. Review status: criteria provided, multiple submitters, no conflicts (2 of 4 stars). 7 submissions from 7 submitters: Benign (2); Likely benign (4). 1 of the submissions does not count toward it. Last evaluated 2026-04-01.

Conditions:
FOXP1-related disorder. Also called: FOXP1-related condition.
Inborn genetic diseases. Identifiers: MedGen C0950123, MeSH D030342.

Allele frequency attached by ClinVar (database versions not stated): 1000 Genomes Project 30x 0.00016; 1000 Genomes Project 0.00020; gnomAD 0.00112 and 0.00118; TOPMed 0.00119; ESP Exome Variant Server 0.00185.
gnomAD v4.1: 1,845 of 1,614,070 alleles (0.11%); highest among the groups gnomAD compares: Non-Finnish European, 0.14%; 4 homozygotes.

Submissions (7):

CeGaT Center for Human Genetics Tuebingen
Classification: Likely benign. Last evaluated: 2026-04-01. Review status: criteria provided, single submitter. Criteria: CeGaT Center For Human Genetics Tuebingen Variant Classification Criteria Version 2. Collection method: clinical testing. Allele origin: germline. Affected: yes. Observed: 8 variant alleles.
Comment: FOXP1: BS1

Labcorp Genetics (formerly Invitae), Labcorp
Classification: Likely benign. Last evaluated: 2026-01-28. Review status: criteria provided, single submitter. Criteria: Invitae Variant Classification Sherloc (09022015). Collection method: clinical testing. Allele origin: germline.

Blueprint Genetics
Classification: Likely benign. Last evaluated: 2024-10-30. Review status: criteria provided, single submitter. Criteria: ACMG Guidelines, 2015. Collection method: clinical testing. Allele origin: germline.

GeneDx
Classification: Benign. Last evaluated: 2020-11-05. Review status: criteria provided, single submitter. Criteria: GeneDx Variant Classification Process June 2021. Collection method: clinical testing. Allele origin: germline. Affected: yes.
Comment: This variant is associated with the following publications: (PMID: 19352412, 20848658, 20950788, 26647308)

Genetic Services Laboratory, University of Chicago
Classification: Benign. Last evaluated: 2019-06-27. Review status: criteria provided, single submitter. Criteria: ACMG Guidelines, 2015. Collection method: clinical testing. Allele origin: germline. Affected: no.

Ambry Genetics
Classification: Likely benign for Inborn genetic diseases. Last evaluated: 2017-06-19. Review status: criteria provided, single submitter. Criteria: Ambry Variant Classification Scheme 2023. Collection method: clinical testing. Allele origin: germline.

PreventionGenetics, part of Exact Sciences
Classification: Likely benign for FOXP1-related condition. Last evaluated: 2019-06-27. Review status: no assertion criteria provided. Collection method: clinical testing. Allele origin: germline. Not counted in ClinVar's aggregate classification.
Comment: This variant is classified as likely benign based on ACMG/AMP sequence variant interpretation guidelines (Richards et al. 2015 PMID: 25741868, with internal and published modifications).

Literature cited by the submitters: PubMed 19352412 (cited by Ambry Genetics); PubMed 20848658 (cited by Ambry Genetics); PubMed 20950788 (cited by Ambry Genetics); PubMed 26647308 (cited by Ambry Genetics).